The following is an entry in ClinVar:

NM_001267550.2(TTN):c.4938T>C (p.Asn1646=)

Genes: TTN (titin; minus strand), LOC101927055 (uncharacterized LOC101927055; plus strand). Cytogenetic location: 2q31.2.
Variant type: single nucleotide variant.
Coding change: c.4938T>C on transcript NM_001267550.2 (MANE Select); coding-DNA position 4938, T replaced by C.
Protein change: p.Asn1646=; no amino-acid change (asparagine 1646 retained).
Molecular consequence: synonymous variant. On other transcripts: non-coding transcript variant (1).
Genome position (GRCh38, 1-based): chr2:178,776,926, A>G on the plus strand (T>C on the coding strand, the complement: TTN is on the minus strand). VCF-style: chr2-178776926-A-G. GRCh37 (hg19) VCF-style: chr2-179641653-A-G.
Other names: c.4938T>C, p.Asn1646= (NM_001256850.1, NM_133378.4, NM_133379.5); c.4800T>C, p.Asn1600= (NM_003319.4, NM_133432.3, NM_133437.4).
Identifiers: ClinVar variation 3030531 (VCV003030531.2), dbSNP rs2532904782, ClinGen allele CA430281606.

ClinVar aggregate classification (germline): Likely benign (0 of 4 stars; one submission).

Conditions:
TTN-related disorder. Also called: TTN-related condition; TTN-related disease; TTN-related disorders.

Allele frequency attached by ClinVar (database versions not stated): gnomAD exomes below 0.00001.
gnomAD v4.1: 4 of 1,613,378 alleles (0.00025%); highest among the groups gnomAD compares: Non-Finnish European, 0.00025%; no homozygotes.

Submission:

PreventionGenetics, part of Exact Sciences
Classification: Likely benign for TTN-related condition. Last evaluated: 2021-03-09. Review status: no assertion criteria provided. Collection method: clinical testing. Allele origin: germline.
Comment: This variant is classified as likely benign based on ACMG/AMP sequence variant interpretation guidelines (Richards et al. 2015 PMID: 25741868, with internal and published modifications).